The following is an entry in ClinVar:

ClinVar aggregate classification (germline): Uncertain significance (1 of 4 stars; one submission).

Conditions:
Intellectual disability, autosomal recessive 53 (NEDHSCA). Also called: GLYCOSYLPHOSPHATIDYLINOSITOL BIOSYNTHESIS DEFECT 13; Mental retardation, autosomal recessive 53; NEURODEVELOPMENTAL DISORDER WITH OR WITHOUT HYPOTONIA, SEIZURES, AND CEREBELLAR ATROPHY. Identifiers: Orphanet 488635, MedGen C4310794, MONDO:0014832, OMIM 616917.

Allele frequency attached by ClinVar (database versions not stated): gnomAD exomes 0.00001.
gnomAD v4.1: 4 of 1,614,122 alleles (0.00025%); highest among the groups gnomAD compares: South Asian, 0.0044%; no homozygotes.

Submission:

Labcorp Genetics (formerly Invitae), Labcorp
Classification: Uncertain significance for Intellectual disability, autosomal recessive 53. Last evaluated: 2022-02-02. Review status: criteria provided, single submitter. Criteria: Invitae Variant Classification Sherloc (09022015). Collection method: clinical testing. Allele origin: germline.
Comment: This variant is not present in population databases (gnomAD no frequency). This sequence change replaces proline, which is neutral and non-polar, with leucine, which is neutral and non-polar, at codon 227 of the PIGG protein (p.Pro227Leu). This variant has not been reported in the literature in individuals affected with PIGG-related conditions. In summary, the available evidence is currently insufficient to determine the role of this variant in disease. Therefore, it has been classified as a Variant of Uncertain Significance. Algorithms developed to predict the effect of missense changes on protein structure and function are either unavailable or do not agree on the potential impact of this missense change (SIFT: "Deleterious"; PolyPhen-2: "Probably Damaging"; Align-GVGD: "Class C0").

NM_001127178.3(PIGG):c.680C>T (p.Pro227Leu)

Gene: PIGG (phosphatidylinositol glycan anchor biosynthesis class G (EMM blood group); plus strand). Cytogenetic location: 4p16.3.
Variant type: single nucleotide variant.
Coding change: c.680C>T on transcript NM_001127178.3 (MANE Select); coding-DNA position 680, C replaced by T.
Protein change: p.Pro227Leu; replaces proline 227 with leucine.
Molecular consequence: missense variant. On other transcripts: 5 prime UTR variant (4), non-coding transcript variant (10), intron variant (1).
Genome position (GRCh38, 1-based): chr4:507,514, C>T. VCF-style: chr4-507514-C-T. GRCh37 (hg19) VCF-style: chr4-501303-C-T.
Other names: c.413C>T, p.Pro138Leu (NM_001289051.2, NM_001289053.2, NM_001289057.2 and 2 more transcripts); c.314C>T, p.Pro105Leu (NM_001289055.2); c.-208C>T (NM_001345988.2); c.680C>T, p.Pro227Leu (NM_001345989.2, NM_017733.5); c.-946C>T (NM_001345990.2); c.-808C>T (NM_001345991.2); c.-533C>T (NM_001345994.2); c.361-1315C>T (NM_001289052.2); short protein forms P105L, P138L, P227L.
Identifiers: ClinVar variation 2082114 (VCV002082114.4), dbSNP rs1720144373, ClinGen allele CA355897490.